The following is an entry in ClinVar:

NM_001854.4(COL11A1):c.3919A>G (p.Asn1307Asp)

Gene: COL11A1 (collagen type XI alpha 1 chain; minus strand). Cytogenetic location: 1p21.1.
Variant type: single nucleotide variant.
Coding change: c.3919A>G on transcript NM_001854.4 (MANE Select); coding-DNA position 3919, A replaced by G.
Protein change: p.Asn1307Asp; replaces asparagine 1307 with aspartic acid.
Molecular consequence: missense variant. On other transcripts: non-coding transcript variant (1).
Genome position (GRCh38, 1-based): chr1:102,914,709, T>C on the plus strand (A>G on the coding strand, the complement: COL11A1 is on the minus strand). VCF-style: chr1-102914709-T-C. GRCh37 (hg19) VCF-style: chr1-103380265-T-C.
Other names: c.3571A>G, p.Asn1191Asp (NM_001168249.1, NM_080630.4); c.3802A>G, p.Asn1268Asp (NM_001190709.2); c.3955A>G, p.Asn1319Asp (NM_080629.3); short protein forms N1268D, N1191D, N1319D, N1307D.
Identifiers: ClinVar variation 2113210 (VCV002113210.4), dbSNP rs985916777, ClinGen allele CA27676957.
Genomic context (GRCh38, chr1:102,914,709, plus strand): 5'-GCTCCAAGGTGAGTTTGGCATAAATGCCACATTAGAGGGGACCAAACTCACTTACCGGGT[T>C]ACCCTTAGGGCCATCATCACCTGGTGGCCCCTTGGCACCTGGAGGTCCAGCAGCTCCAGG-3'
Protein context (NP_001845.3, residues 1297-1317): GPPGDDGPKG[Asn1307Asp]PGPVGFPGDP

ClinVar aggregate classification (germline): Uncertain significance (1 of 4 stars; one submission).

Allele frequency attached by ClinVar (database versions not stated): TOPMed below 0.00001.

Submission:

Labcorp Genetics (formerly Invitae), Labcorp
Classification: Uncertain significance. Last evaluated: 2022-12-17. Review status: criteria provided, single submitter. Criteria: Invitae Variant Classification Sherloc (09022015). Collection method: clinical testing. Allele origin: germline.
Comment: Advanced modeling of protein sequence and biophysical properties (such as structural, functional, and spatial information, amino acid conservation, physicochemical variation, residue mobility, and thermodynamic stability) performed at Invitae indicates that this missense variant is not expected to disrupt COL11A1 protein function. This variant has not been reported in the literature in individuals affected with COL11A1-related conditions. This variant is not present in population databases (gnomAD no frequency). This sequence change replaces asparagine, which is neutral and polar, with aspartic acid, which is acidic and polar, at codon 1307 of the COL11A1 protein (p.Asn1307Asp). In summary, the available evidence is currently insufficient to determine the role of this variant in disease. Therefore, it has been classified as a Variant of Uncertain Significance.